The following is an entry in ClinVar:

NM_000540.3(RYR1):c.8817-3C>A

Gene: RYR1 (ryanodine receptor 1; plus strand). Cytogenetic location: 19q13.2.
Variant type: single nucleotide variant.
Coding change: c.8817-3C>A on transcript NM_000540.3 (MANE Select); 3 bases into the intron before coding-DNA position 8817, C replaced by A.
Molecular consequence: intron variant.
Genome position (GRCh38, 1-based): chr19:38,507,709, C>A. VCF-style: chr19-38507709-C-A. GRCh37 (hg19) VCF-style: chr19-38998349-C-A.
Other names: c.8817-3C>A (NM_001042723.2).
Identifiers: ClinVar variation 1059772 (VCV001059772.4), dbSNP rs1356588584, ClinGen allele CA2335057449.

ClinVar aggregate classification (germline): Uncertain significance (1 of 4 stars; one submission).

Conditions:
RYR1-related disorder. Also called: RYR1-related condition; RYR1-related disorders. Identifiers: MedGen CN239331.

Allele frequency attached by ClinVar (database versions not stated): gnomAD exomes below 0.00001.
gnomAD v4.1: 2 of 1,585,896 alleles (0.00013%); highest among the groups gnomAD compares: Non-Finnish European, 0.00017%; no homozygotes.

Submission:

Labcorp Genetics (formerly Invitae), Labcorp
Classification: Uncertain significance for RYR1-related disorder. Last evaluated: 2020-09-17. Review status: criteria provided, single submitter. Criteria: Invitae Variant Classification Sherloc (09022015). Collection method: clinical testing. Allele origin: germline.
Comment: This sequence change falls in intron 57 of the RYR1 gene. It does not directly change the encoded amino acid sequence of the RYR1 protein, but it affects a nucleotide within the consensus splice site of the intron. This variant is not present in population databases (ExAC no frequency). This variant has not been reported in the literature in individuals with RYR1-related conditions. Nucleotide substitutions within the consensus splice site are a relatively common cause of aberrant splicing (PMID: 17576681, 9536098). Algorithms developed to predict the effect of sequence changes on RNA splicing suggest that this variant may disrupt the consensus splice site, but this prediction has not been confirmed by published transcriptional studies. In summary, the available evidence is currently insufficient to determine the role of this variant in disease. Therefore, it has been classified as a Variant of Uncertain Significance.

Literature cited by the submitters: PubMed 17576681; PubMed 9536098.